The following is an entry in ClinVar:

NM_138420.4(AHNAK2):c.4159C>G (p.Leu1387Val)

Gene: AHNAK2 (AHNAK nucleoprotein 2; minus strand). Cytogenetic location: 14q32.33.
Variant type: single nucleotide variant.
Coding change: c.4159C>G on transcript NM_138420.4 (MANE Select); coding-DNA position 4159, C replaced by G.
Protein change: p.Leu1387Val; replaces leucine 1387 with valine.
Molecular consequence: missense variant.
Genome position (GRCh38, 1-based): chr14:104,951,292, G>C on the plus strand (C>G on the coding strand, the complement: AHNAK2 is on the minus strand). VCF-style: chr14-104951292-G-C. GRCh37 (hg19) VCF-style: chr14-105417629-G-C.
Other names: c.3859C>G, p.Leu1287Val (NM_001350929.2); short protein forms L1287V, L1387V.
Identifiers: ClinVar variation 3388379 (VCV003388379.14).
Genomic context (GRCh38, chr14:104,951,292, plus strand): 5'-GGCCGGCTCCCTCGGGCACGGGGCCCTCTGGGAGTTTCACGTCCAATTGGCCAGCCTGGA[G>C]CTCCAGGTCAGTGGAAGGGGGCTGAATGCTGAGGTCAGTGGTCTTGAGGTCCCCCTGCAT-3'
Protein context (NP_612429.2, residues 1377-1397): SIQPPSTDLE[Leu1387Val]QAGQLDVKLP

ClinVar aggregate classification (germline): Likely benign (1 of 4 stars; one submission).

gnomAD v4.1: 632 of 1,053,866 alleles (0.06%); highest among the groups gnomAD compares: African/African-American, 0.13%; 210 homozygotes.

Submission:

CeGaT Center for Human Genetics Tuebingen
Classification: Likely benign. Last evaluated: 2024-09-01. Review status: criteria provided, single submitter. Criteria: CeGaT Center For Human Genetics Tuebingen Variant Classification Criteria Version 2. Collection method: clinical testing. Allele origin: germline. Affected: yes. Observed: 1 variant allele.
Comment: AHNAK2: BP4, BS2